The following is an entry in ClinVar:

ClinVar aggregate classification (germline): Uncertain significance (1 of 4 stars; one submission).

Conditions:
Hereditary cancer-predisposing syndrome. Also called: Tumor predisposition; Hereditary Cancer Syndrome; Hereditary neoplastic syndrome; Neoplastic Syndromes, Hereditary. Identifiers: Orphanet 140162, MedGen C0027672, MeSH D009386, MONDO:0015356.

Submission:

Ambry Genetics
Classification: Uncertain significance for Hereditary cancer-predisposing syndrome. Last evaluated: 2025-10-22. Review status: criteria provided, single submitter. Criteria: Ambry Variant Classification Scheme 2023. Collection method: clinical testing. Allele origin: germline.
Comment: The c.483_485delGTC variant (also known as p.L161_S162delinsF) is located in coding exon 6 of the SDHC gene. This variant results from an in-frame GTC deletion at nucleotide positions 483 to 485. The leucine and serine at codon 161 and codon 162 are replaced by phenylalanine, an amino acid with highly similar properties. This amino acid region is well conserved in available vertebrate species. In addition, this variant is predicted to be deleterious by in silico analysis (Choi Y et al. PLoS ONE. 2012; 7(10):e46688). Based on the available evidence, the clinical significance of this variant remains unclear.

NM_003001.5(SDHC):c.483_485del (p.Leu161_Ser162delinsPhe)

Gene: SDHC (succinate dehydrogenase complex subunit C; plus strand). Cytogenetic location: 1q23.3.
Variant type: Deletion.
Coding change: c.483_485del on transcript NM_003001.5 (MANE Select); coding-DNA positions 483 to 485, 3 bases deleted (GTC; older notation c.483_485delGTC).
Protein change: p.Leu161_Ser162delinsPhe.
Molecular consequence: inframe indel. On other transcripts: inframe deletion (3), non-coding transcript variant (1).
Genome position (GRCh38, 1-based): chr1:161,362,406-161,362,408, GTC deleted. VCF-style (leftmost placement, unchanged base first): chr1-161362405-TGTC-T. GRCh37 (hg19) VCF-style: chr1-161332195-TGTC-T.
Other names: c.319_321del, p.Val107del (NM_001035511.3); c.381_383del, p.Leu127_Ser128delinsPhe (NM_001035512.3); c.324_326del, p.Leu108_Ser109delinsPhe (NM_001035513.3); c.217_219del, p.Val73del (NM_001278172.3); c.603_605del, p.Leu201_Ser202delinsPhe (NM_001407115.1); c.426_428del, p.Leu142_Ser143delinsPhe (NM_001407116.1); c.420_422del, p.Leu140_Ser141delinsPhe (NM_001407117.1); c.375_377del, p.Leu125_Ser126delinsPhe (NM_001407118.1); and 2 more; short protein forms V107del, V73del, V88del.
Identifiers: ClinVar variation 4548116 (VCV004548116.1).